The following is an entry in ClinVar:

NM_201596.3(CACNB2):c.1560T>C (p.Pro520=)

Gene: CACNB2 (calcium voltage-gated channel auxiliary subunit beta 2; plus strand). Cytogenetic location: 10p12.31.
Variant type: single nucleotide variant.
Coding change: c.1560T>C on transcript NM_201596.3 (MANE Select); coding-DNA position 1560, T replaced by C.
Protein change: p.Pro520=; no amino-acid change (proline 520 retained).
Molecular consequence: synonymous variant.
Genome position (GRCh38, 1-based): chr10:18,539,301, T>C. VCF-style: chr10-18539301-T-C. GRCh37 (hg19) VCF-style: chr10-18828230-T-C.
Other names: p.P465P:CCT>CCC; p.Pro466=; c.1395T>C, p.Pro465= (NM_000724.4); c.1362T>C, p.Pro454= (NM_001167945.2); c.1281T>C, p.Pro427= (NM_001330060.2); c.1416T>C, p.Pro472= (NM_201570.3); c.1476T>C, p.Pro492= (NM_201571.4); c.1404T>C, p.Pro468= (NM_201572.4); and 3 more.
Identifiers: ClinVar variation 136647 (VCV000136647.52), dbSNP rs150280879, ClinGen allele CA289942.

ClinVar aggregate classification (germline): Benign/Likely benign. Review status: criteria provided, multiple submitters, no conflicts (2 of 4 stars). 10 submissions from 10 submitters: Benign (3); Likely benign (6). 1 of the submissions does not count toward it. Last evaluated 2026-01-25.

Conditions:
Cardiovascular phenotype. Identifiers: MedGen CN230736.
Brugada syndrome 4 (BRGDA4). Identifiers: Orphanet 130, MedGen C2678477, MONDO:0012743, OMIM 611876.

Allele frequency attached by ClinVar (database versions not stated): gnomAD exomes 0.00086; ExAC 0.00092; gnomAD 0.00097 and 0.00099; 1000 Genomes Project 0.00100; TOPMed 0.00105; 1000 Genomes Project 30x 0.00109; ESP Exome Variant Server 0.00185.
gnomAD v4.1: 2,875 of 1,613,808 alleles (0.18%); highest among the groups gnomAD compares: Non-Finnish European, 0.23%; 4 homozygotes.

Submissions (10):

Labcorp Genetics (formerly Invitae), Labcorp
Classification: Benign for Brugada syndrome 4. Last evaluated: 2026-01-25. Review status: criteria provided, single submitter. Criteria: Invitae Variant Classification Sherloc (09022015). Collection method: clinical testing. Allele origin: germline.

Mayo Clinic Laboratories, Mayo Clinic
Classification: Likely benign. Last evaluated: 2025-03-19. Review status: criteria provided, single submitter. Criteria: ACMG Guidelines, 2015. Collection method: clinical testing. Allele origin: germline. Observed: 2 variant alleles.
Comment: BS1, BP4, BP7

Blueprint Genetics
Classification: Likely benign. Last evaluated: 2024-11-08. Review status: criteria provided, single submitter. Criteria: ACMG Guidelines, 2015. Collection method: clinical testing. Allele origin: germline.

CeGaT Center for Human Genetics Tuebingen
Classification: Likely benign. Last evaluated: 2023-01-01. Review status: criteria provided, single submitter. Criteria: CeGaT Center For Human Genetics Tuebingen Variant Classification Criteria Version 2. Collection method: clinical testing. Allele origin: germline. Affected: yes. Observed: 1 variant allele.
Comment: CACNB2: BP4, BP7, BS1

ARUP Laboratories, Molecular Genetics and Genomics, ARUP Laboratories
Classification: Likely benign for Brugada syndrome 4. Last evaluated: 2020-06-25. Review status: criteria provided, single submitter. Criteria: ARUP Molecular Germline Variant Investigation Process. Collection method: clinical testing. Allele origin: germline.

Genome Diagnostics Laboratory, University Medical Center Utrecht
Classification: Benign for Brugada syndrome 4. Last evaluated: 2017-03-31. Review status: criteria provided, single submitter. Criteria: ACGS Guidelines, 2013. Collection method: clinical testing. Allele origin: germline. Affected: yes. Study: VKGL Data-share Consensus.

Ambry Genetics
Classification: Likely benign for Cardiovascular phenotype. Last evaluated: 2015-03-23. Review status: criteria provided, single submitter. Criteria: Ambry Variant Classification Scheme 2023. Collection method: clinical testing. Allele origin: germline.

GeneDx
Classification: Benign. Last evaluated: 2014-03-29. Review status: criteria provided, single submitter. Criteria: GeneDx Variant Classification (06012015). Collection method: clinical testing. Allele origin: germline. Affected: yes.
Comment: This variant is considered likely benign or benign based on one or more of the following criteria: it is a conservative change, it occurs at a poorly conserved position in the protein, it is predicted to be benign by multiple in silico algorithms, and/or has population frequency not consistent with disease.

Breakthrough Genomics
Classification: Likely benign. Review status: criteria provided, single submitter. Criteria: ACMG Guidelines, 2015. Collection method: not provided. Allele origin: germline. Inheritance: Autosomal dominant inheritance. Affected: yes.

Clinical Genetics, Academic Medical Center
Classification: Benign. Review status: no assertion criteria provided. Collection method: clinical testing. Allele origin: germline. Affected: yes. Study: VKGL Data-share Consensus. Not counted in ClinVar's aggregate classification.